The following is an entry in ClinVar:

ClinVar aggregate classification (germline): Uncertain significance (1 of 4 stars; one submission).

Conditions:
Charcot-Marie-Tooth disease dominant intermediate B (CMTDIB). Also called: Charcot-Marie-Tooth disease dominant intermediate 1; CMT DI1; Charcot-Marie-Tooth disease dominant intermediate I; CHARCOT-MARIE-TOOTH NEUROPATHY, DOMINANT INTERMEDIATE B. Identifiers: Orphanet 100044, Orphanet 228179, MedGen C1847902, MONDO:0011674, OMIM 606482.

Allele frequency attached by ClinVar (database versions not stated): gnomAD exomes below 0.00001; ExAC 0.00001.
gnomAD v4.1: 3 of 1,608,704 alleles (0.00019%); highest among the groups gnomAD compares: Middle Eastern, 0.017%; no homozygotes.

Submission:

Labcorp Genetics (formerly Invitae), Labcorp
Classification: Uncertain significance for Charcot-Marie-Tooth disease dominant intermediate B. Last evaluated: 2023-05-03. Review status: criteria provided, single submitter. Criteria: Invitae Variant Classification Sherloc (09022015). Collection method: clinical testing. Allele origin: germline.
Comment: This sequence change replaces leucine, which is neutral and non-polar, with proline, which is neutral and non-polar, at codon 868 of the DNM2 protein (p.Leu868Pro). The frequency data for this variant in the population databases is considered unreliable, as metrics indicate poor data quality at this position in the gnomAD database. In summary, the available evidence is currently insufficient to determine the role of this variant in disease. Therefore, it has been classified as a Variant of Uncertain Significance. Advanced modeling of protein sequence and biophysical properties (such as structural, functional, and spatial information, amino acid conservation, physicochemical variation, residue mobility, and thermodynamic stability) has been performed at Invitae for this missense variant, however the output from this modeling did not meet the statistical confidence thresholds required to predict the impact of this variant on DNM2 protein function. ClinVar contains an entry for this variant (Variation ID: 2048461). This variant has not been reported in the literature in individuals affected with DNM2-related conditions.

NM_001005361.3(DNM2):c.2603T>C (p.Leu868Pro)

Gene: DNM2 (dynamin 2; plus strand). Cytogenetic location: 19p13.2.
Variant type: single nucleotide variant.
Coding change: c.2603T>C on transcript NM_001005361.3 (MANE Select); coding-DNA position 2603, T replaced by C.
Protein change: p.Leu868Pro; replaces leucine 868 with proline.
Molecular consequence: missense variant.
Genome position (GRCh38, 1-based): chr19:10,831,037, T>C. VCF-style: chr19-10831037-T-C. GRCh37 (hg19) VCF-style: chr19-10941713-T-C.
Other names: c.2603T>C, p.Leu868Pro (NM_001005360.3); c.2591T>C, p.Leu864Pro (NM_001005362.3, NM_004945.4); c.2600T>C, p.Leu867Pro (NM_001190716.2); short protein forms L867P, L868P, L864P.
Identifiers: ClinVar variation 2048461 (VCV002048461.4), dbSNP rs781165808, ClinGen allele CA9201673.
Genomic context (GRCh38, chr19:10,831,037, plus strand): 5'-GCAGAAGACCCCCTGCTGCGCCCAGCCGGCCCACCATTATCCGCCCAGCCGAGCCATCCC[T>C]GCTCGACTAGGCCTCGAGGGGGGCGTGCTCTCGGGGGGGCCTCACGCACCCGCGGCGCAG-3'
Protein context (NP_001005361.1, residues 858-870): PTIIRPAEPS[Leu868Pro]LD